The following is an entry in ClinVar:

ClinVar aggregate classification (germline): Likely benign (1 of 4 stars; one submission).

Allele frequency attached by ClinVar (database versions not stated): ExAC 0.00026; gnomAD exomes 0.00028; 1000 Genomes Project 30x 0.00042; 1000 Genomes Project 0.00053.
gnomAD v4.1: 312 of 1,162,235 alleles (0.027%); highest among the groups gnomAD compares: East Asian, 0.52%; 2 homozygotes.

Submission:

CeGaT Center for Human Genetics Tuebingen
Classification: Likely benign. Last evaluated: 2022-12-01. Review status: criteria provided, single submitter. Criteria: CeGaT Center For Human Genetics Tuebingen Variant Classification Criteria Version 2. Collection method: clinical testing. Allele origin: germline. Affected: yes. Observed: 1 variant allele.
Comment: LRCH2: BS2; RBMXL3: BP4, BS2

NM_001145346.2(RBMXL3):c.1667G>A (p.Arg556Gln)

Genes: LRCH2 (leucine rich repeats and calponin homology domain containing 2; minus strand), RBMXL3 (RBMX like 3; plus strand). Cytogenetic location: Xq23.
Variant type: single nucleotide variant.
Coding change: c.1667G>A on transcript NM_001145346.2 (MANE Select); coding-DNA position 1667, G replaced by A.
Protein change: p.Arg556Gln; replaces arginine 556 with glutamine.
Molecular consequence: missense variant. On other transcripts: intron variant (2).
Genome position (GRCh38, 1-based): chrX:115,191,108, G>A. VCF-style: chrX-115191108-G-A. GRCh37 (hg19) VCF-style: chrX-114425671-G-A.
Other names: c.350-2738C>T (NM_001243963.2, NM_020871.4); short protein forms R556Q.
Identifiers: ClinVar variation 2661239 (VCV002661239.24), dbSNP rs182267365, ClinGen allele CA10496326.
Genomic context (GRCh38, chrX:115,191,108, plus strand): 5'-GTTCCAGCAACAGTTACGGCCAGAGCCACCGCTATGGAGGAGAAGGCCGCTATGAGTACC[G>A]AGGCCGCTCGCATGACGCCCACAGTGGGGGCTGCTCTGCCGACGCCTACAGTGGGGGCCA-3'
Protein context (NP_001138818.1, residues 546-566): RYGGEGRYEY[Arg556Gln]GRSHDAHSGG